The following is an entry in ClinVar:

ClinVar aggregate classification (germline): Uncertain significance (1 of 4 stars; one submission).

Conditions:
Ataxia-telangiectasia syndrome (AT). Also called: Ataxia-telangiectasia, complementation group E; Ataxia telangiectasia (A-T); LOUIS-BAR SYNDROME; Ataxia-telangiectasia, complementation group D; AT, COMPLEMENTATION GROUP C; Ataxia-telangiectasia. Identifiers: Orphanet 100, MedGen C0004135, MONDO:0008840, OMIM 208900.

Allele frequency attached by ClinVar (database versions not stated): gnomAD exomes 0.00001; ExAC 0.00002.

Submission:

Labcorp Genetics (formerly Invitae), Labcorp
Classification: Uncertain significance for Ataxia-telangiectasia syndrome. Last evaluated: 2024-02-15. Review status: criteria provided, single submitter. Criteria: Invitae Variant Classification Sherloc (09022015). Collection method: clinical testing. Allele origin: germline.
Comment: This sequence change replaces leucine, which is neutral and non-polar, with isoleucine, which is neutral and non-polar, at codon 726 of the ATM protein (p.Leu726Ile). This variant is present in population databases (rs775266056, gnomAD 0.006%). This variant has not been reported in the literature in individuals affected with ATM-related conditions. ClinVar contains an entry for this variant (Variation ID: 836711). An algorithm developed to predict the effect of missense changes on protein structure and function (PolyPhen-2) suggests that this variant is likely to be disruptive. In summary, the available evidence is currently insufficient to determine the role of this variant in disease. Therefore, it has been classified as a Variant of Uncertain Significance.

NM_000051.4(ATM):c.2176C>A (p.Leu726Ile)

Gene: ATM (ATM serine/threonine kinase; plus strand). Cytogenetic location: 11q22.3.
Variant type: single nucleotide variant.
Coding change: c.2176C>A on transcript NM_000051.4 (MANE Select); coding-DNA position 2176, C replaced by A.
Protein change: p.Leu726Ile; replaces leucine 726 with isoleucine.
Molecular consequence: missense variant.
Genome position (GRCh38, 1-based): chr11:108,256,266, C>A. VCF-style: chr11-108256266-C-A. GRCh37 (hg19) VCF-style: chr11-108126993-C-A.
Other names: c.2176C>A, p.Leu726Ile (NM_001351834.2); short protein forms L726I.
Identifiers: ClinVar variation 836711 (VCV000836711.9), dbSNP rs775266056, ClinGen allele CA6264963.